The following is an entry in ClinVar:

NM_001372051.1(CASP8):c.1109C>T (p.Pro370Leu)

Gene: CASP8 (caspase 8; plus strand). Cytogenetic location: 2q33.1.
Variant type: single nucleotide variant.
Coding change: c.1109C>T on transcript NM_001372051.1 (MANE Select); coding-DNA position 1109, C replaced by T.
Protein change: p.Pro370Leu; replaces proline 370 with leucine.
Molecular consequence: missense variant. On other transcripts: non-coding transcript variant (22), intron variant (1).
Genome position (GRCh38, 1-based): chr2:201,285,122, C>T. VCF-style: chr2-201285122-C-T. GRCh37 (hg19) VCF-style: chr2-202149845-C-T.
Other names: c.1064C>T, p.Pro355Leu (NM_001080124.2, NM_001400658.1, NM_001400659.1 and 5 more transcripts); c.1286C>T, p.Pro429Leu (NM_001080125.2); c.1160C>T, p.Pro387Leu (NM_001228.5); c.1241C>T, p.Pro414Leu (NM_001400642.1); c.1142C>T, p.Pro381Leu (NM_001400645.1); c.1109C>T, p.Pro370Leu (NM_001400648.1, NM_001400651.1, NM_001400653.1 and 5 more transcripts); c.1040C>T, p.Pro347Leu (NM_001400664.1); c.1034C>T, p.Pro345Leu (NM_001400665.1); and 7 more; short protein forms P355L, P370L, P387L, P429L, P156L, P165L, P171L, P267L.
Identifiers: ClinVar variation 1479590 (VCV001479590.8), dbSNP rs2125485864, ClinGen allele CA350301538.

ClinVar aggregate classification (germline): Uncertain significance (1 of 4 stars; one submission).

Conditions:
Autoimmune lymphoproliferative syndrome type 2B. Also called: AUTOIMMUNE LYMPHOPROLIFERATIVE SYNDROME, TYPE IIB. Identifiers: Orphanet 275517, MedGen C1846545, MONDO:0011804, OMIM 607271.

Allele frequency attached by ClinVar (database versions not stated): gnomAD exomes below 0.00001.
gnomAD v4.1: 4 of 1,614,166 alleles (0.00025%); highest among the groups gnomAD compares: Non-Finnish European, 0.00034%; no homozygotes.

Submission:

Labcorp Genetics (formerly Invitae), Labcorp
Classification: Uncertain significance for Autoimmune lymphoproliferative syndrome type 2B. Last evaluated: 2022-06-13. Review status: criteria provided, single submitter. Criteria: Invitae Variant Classification Sherloc (09022015). Collection method: clinical testing. Allele origin: germline.
Comment: In summary, the available evidence is currently insufficient to determine the role of this variant in disease. Therefore, it has been classified as a Variant of Uncertain Significance. Algorithms developed to predict the effect of missense changes on protein structure and function output the following: SIFT: "Tolerated"; PolyPhen-2: "Benign"; Align-GVGD: "Class C0". The leucine amino acid residue is found in multiple mammalian species, which suggests that this missense change does not adversely affect protein function. This variant has not been reported in the literature in individuals affected with CASP8-related conditions. This variant is not present in population databases (gnomAD no frequency). This sequence change replaces proline, which is neutral and non-polar, with leucine, which is neutral and non-polar, at codon 387 of the CASP8 protein (p.Pro387Leu).